The following is an entry in ClinVar:

NM_001379291.1(BRD4):c.3851AGC[7] (p.Gln1289_Arg1290insGln)

Gene: BRD4 (bromodomain containing 4; minus strand). Cytogenetic location: 19p13.12.
Variant type: Microsatellite.
Coding change: c.3851AGC[7] on transcript NM_001379291.1 (MANE Select); seven copies in a row of the 3-base unit AGC starting at c.3851; the reference has six copies in a row; one copy, 3 bases duplicated.
Protein change: p.Gln1289_Arg1290insGln.
Molecular consequence: inframe insertion.
Genome position (GRCh38, 1-based): chr19:15,238,895-15,238,897, GCT duplicated on the plus strand (AGC on the coding strand, the reverse complement: BRD4 is on the minus strand); duplicating any 3 consecutive bases within chr19:15,238,895-15,238,912 gives the same sequence; the position shown is the placement nearest the transcript's 3' end. VCF-style (leftmost placement, unchanged base first): chr19-15238894-C-CGCT. GRCh37 (hg19) VCF-style: chr19-15349705-C-CGCT.
Other names: c.3851AGC[7], p.Gln1289_Arg1290insGln (NM_058243.3).
Identifiers: ClinVar variation 2711337 (VCV002711337.3), dbSNP rs748141481, ClinGen allele CA9264506.

ClinVar aggregate classification (germline): Uncertain significance (1 of 4 stars; one submission).

Submission:

Labcorp Genetics (formerly Invitae), Labcorp
Classification: Uncertain significance. Last evaluated: 2025-11-02. Review status: criteria provided, single submitter. Criteria: Invitae Variant Classification Sherloc (09022015). Collection method: clinical testing. Allele origin: germline.
Comment: This variant, c.3866_3868dup, results in the insertion of 1 amino acid(s) of the BRD4 protein (p.Gln1289dup), but otherwise preserves the integrity of the reading frame. The frequency data for this variant in the population databases is considered unreliable, as metrics indicate poor data quality at this position in the gnomAD database. This variant has not been reported in the literature in individuals affected with BRD4-related conditions. In summary, the available evidence is currently insufficient to determine the role of this variant in disease. Therefore, it has been classified as a Variant of Uncertain Significance.